The following is an entry in ClinVar:

ClinVar aggregate classification (germline): Uncertain significance. Review status: criteria provided, multiple submitters, no conflicts (2 of 4 stars). 2 submissions from 2 submitters: Uncertain significance (2). Last evaluated 2023-11-19.

Conditions:
Inborn genetic diseases. Identifiers: MedGen C0950123, MeSH D030342.

Allele frequency attached by ClinVar (database versions not stated): ExAC 0.00010; gnomAD 0.00017; ESP Exome Variant Server 0.00018; TOPMed 0.00019; 1000 Genomes Project 30x 0.00031.
gnomAD v4.1: 61 of 1,518,698 alleles (0.004%); highest among the groups gnomAD compares: African/African-American, 0.064%; no homozygotes.

Submissions (2):

GeneDx
Classification: Uncertain significance. Last evaluated: 2023-11-19. Review status: criteria provided, single submitter. Criteria: GeneDx Variant Classification Process June 2021. Collection method: clinical testing. Allele origin: germline.
Comment: In silico analysis supports that this missense variant does not alter protein structure/function; Has not been previously published as pathogenic or benign to our knowledge

Ambry Genetics
Classification: Uncertain significance for Inborn genetic diseases. Last evaluated: 2021-07-15. Review status: criteria provided, single submitter. Criteria: Ambry Variant Classification Scheme 2023. Collection method: clinical testing. Allele origin: germline.

NM_017721.5(CC2D1A):c.5A>T (p.His2Leu)

Gene: CC2D1A (coiled-coil and C2 domain containing 1A; plus strand). Cytogenetic location: 19p13.12.
Variant type: single nucleotide variant.
Coding change: c.5A>T on transcript NM_017721.5 (MANE Select); coding-DNA position 5, A replaced by T.
Protein change: p.His2Leu; replaces histidine 2 with leucine.
Molecular consequence: missense variant.
Genome position (GRCh38, 1-based): chr19:13,906,446, A>T. VCF-style: chr19-13906446-A-T. GRCh37 (hg19) VCF-style: chr19-14017259-A-T.
Other names: c.5A>T, p.His2Leu (NM_001411138.1); short protein forms H2L.
Identifiers: ClinVar variation 2377163 (VCV002377163.4), dbSNP rs376977180, ClinGen allele CA9244128.